The following is an entry in ClinVar:

ClinVar aggregate classification (germline): Pathogenic (1 of 4 stars; one submission).

Conditions:
Intellectual developmental disorder with autism and speech delay. Also called: Autism, susceptibility to, 5; Autism 5; AUTISM-RELATED SPEECH DELAY; PHRASE SPEECH DELAY, AUTISM-RELATED; AUTS5. Identifiers: MedGen C1853755, MONDO:0011627, OMIM 606053.

Submission:

Variantyx, Inc.
Classification: Pathogenic for Intellectual developmental disorder with autism and speech delay. Last evaluated: 2025-07-10. Review status: criteria provided, single submitter. Criteria: Variantyx Assertion Criteria 2022. Collection method: clinical testing. Allele origin: de novo. Inheritance: Autosomal dominant inheritance. Affected: yes.
Comment: This is a nonsense variant in the TBR1 gene (OMIM: 604616). Pathogenic variants in this gene have been associated with autosomal dominant intellectual developmental disorder with autism and speech delay. The alteration introduces a premature termination codon in exon 6 out of 6 and is expected to result in loss of function, which is a known disease mechanism for TBR1 in this disorder (PMID:30250039) (PVS1). This variant is absent from control populations (PM2), and it has not been reported in individuals with TBR1-related disorders in the databases available for review. Based on the current evidence, this variant is classified as pathogenic for autosomal dominant intellectual developmental disorder with autism and speech delay.

Literature cited by the submitters: PubMed 30250039.

NM_006593.4(TBR1):c.1635G>A (p.Trp545Ter)

Gene: TBR1 (T-box brain transcription factor 1; plus strand). Cytogenetic location: 2q24.2.
Variant type: single nucleotide variant.
Coding change: c.1635G>A on transcript NM_006593.4 (MANE Select); coding-DNA position 1635, G replaced by A.
Protein change: p.Trp545Ter; replaces tryptophan 545 with a stop codon.
Molecular consequence: nonsense.
Genome position (GRCh38, 1-based): chr2:161,423,813, G>A. VCF-style: chr2-161423813-G-A. GRCh37 (hg19) VCF-style: chr2-162280324-G-A.
Other names: short protein forms W545*.
Identifiers: ClinVar variation 4852166 (VCV004852166.1).
Genomic context (GRCh38, chr2:161,423,813, plus strand): 5'-GCTGCAGGCTGCAGGCTGCACTGGCCGCCCGCTCGGCTACTACGCCGACCCGTCGGGCTG[G>A]GGCGCCCGCAGTCCCCCGCAGTACTGCGGCACCAAGTCGGGCTCGGTGCTGCCCTGCTGG-3'